The following is an entry in ClinVar:

NM_000038.6(APC):c.1980C>G (p.Asn660Lys)

Gene: APC (APC regulator of Wnt signaling pathway; plus strand). Cytogenetic location: 5q22.2.
Variant type: single nucleotide variant.
Coding change: c.1980C>G on transcript NM_000038.6 (MANE Select); coding-DNA position 1980, C replaced by G.
Protein change: p.Asn660Lys; replaces asparagine 660 with lysine.
Molecular consequence: missense variant.
Genome position (GRCh38, 1-based): chr5:112,837,574, C>G. VCF-style: chr5-112837574-C-G. GRCh37 (hg19) VCF-style: chr5-112173271-C-G.
Other names: c.1926C>G, p.Asn642Lys (NM_001127511.3); c.1980C>G, p.Asn660Lys (NM_001354895.2, NM_001127510.3); c.2034C>G, p.Asn678Lys (NM_001354896.2); c.2010C>G, p.Asn670Lys (NM_001354897.2); c.1905C>G, p.Asn635Lys (NM_001354898.2); c.1896C>G, p.Asn632Lys (NM_001354899.2); c.1857C>G, p.Asn619Lys (NM_001354900.2); c.1803C>G, p.Asn601Lys (NM_001354901.2); and 5 more; short protein forms N377K, N500K, N534K, N559K, N569K, N601K, N619K, N632K.
Identifiers: ClinVar variation 1692535 (VCV001692535.8), dbSNP rs1554083856, ClinGen allele CA16025645.

ClinVar aggregate classification (germline): Uncertain significance. Review status: criteria provided, multiple submitters, no conflicts (2 of 4 stars). 4 submissions from 4 submitters: Uncertain significance (4). Last evaluated 2026-03-29.

Conditions:
Hereditary cancer-predisposing syndrome. Also called: Hereditary neoplastic syndrome; Hereditary Cancer Syndrome; Neoplastic Syndromes, Hereditary; Tumor predisposition. Identifiers: Orphanet 140162, MedGen C0027672, MeSH D009386, MONDO:0015356.
Familial adenomatous polyposis 1 (FAP1). Also called: FAMILIAL ADENOMATOUS POLYPOSIS 1, ATTENUATED; POLYPOSIS, ADENOMATOUS INTESTINAL. Identifiers: MedGen C2713442, MONDO:0021056, OMIM 175100. Disease mechanism: loss of function.

Allele frequency attached by ClinVar (database versions not stated): TOPMed 0.00001.
gnomAD v4.1: 1 of 1,612,966 alleles (0.000062%); no homozygotes.

Submissions (4):

GeneDx
Classification: Uncertain significance. Last evaluated: 2026-03-29. Review status: criteria provided, single submitter. Criteria: GeneDx Variant Classification Process June 2021. Collection method: clinical testing. Allele origin: germline.
Comment: Not observed at significant frequency in large population cohorts (gnomAD); In silico analysis supports that this missense variant has a deleterious effect on protein structure/function; Has not been previously published as pathogenic or benign to our knowledge; This variant is associated with the following publications: (PMID: 18199528)

Ambry Genetics
Classification: Uncertain significance for Hereditary cancer-predisposing syndrome. Last evaluated: 2025-10-22. Review status: criteria provided, single submitter. Criteria: Ambry Variant Classification Scheme 2023. Collection method: clinical testing. Allele origin: germline.
Comment: The p.N660K variant (also known as c.1980C>G), located in coding exon 15 of the APC gene, results from a C to G substitution at nucleotide position 1980. The asparagine at codon 660 is replaced by lysine, an amino acid with similar properties. This amino acid position is not well conserved in available vertebrate species. In addition, in silico predictors for this gene do not accurately predict pathogenicity. Since supporting evidence is limited at this time, the clinical significance of this alteration remains unclear.

Labcorp Genetics (formerly Invitae), Labcorp
Classification: Uncertain significance for Familial adenomatous polyposis 1. Last evaluated: 2024-04-02. Review status: criteria provided, single submitter. Criteria: Invitae Variant Classification Sherloc (09022015). Collection method: clinical testing. Allele origin: germline.
Comment: This sequence change replaces asparagine, which is neutral and polar, with lysine, which is basic and polar, at codon 660 of the APC protein (p.Asn660Lys). This variant is not present in population databases (gnomAD no frequency). This variant has not been reported in the literature in individuals affected with APC-related conditions. ClinVar contains an entry for this variant (Variation ID: 1692535). Advanced modeling of protein sequence and biophysical properties (such as structural, functional, and spatial information, amino acid conservation, physicochemical variation, residue mobility, and thermodynamic stability) performed at Invitae indicates that this missense variant is not expected to disrupt APC protein function with a negative predictive value of 95%. In summary, the available evidence is currently insufficient to determine the role of this variant in disease. Therefore, it has been classified as a Variant of Uncertain Significance.

Sema4
Classification: Uncertain significance for Hereditary cancer-predisposing syndrome. Last evaluated: 2021-10-29. Review status: criteria provided, single submitter. Criteria: Sema4 Curation Guidelines. Collection method: curation. Allele origin: germline.
Comment: The APC c.1980C>G (p.N660K) variant has not been reported in the literature to our knowledge. It was not observed in the large and broad cohorts of the Genome Aggregation Database (PMID: 32461654). This variant has not been reported in ClinVar. Functional studies have not been performed, and in silico predictions of the variant's effect on protein function are inconclusive. The evidence is insufficient to meet ACMG/AMP criteria for classifying the variant as benign or pathogenic. Thus, the clinical significance of this variant is currently uncertain.